The following is an entry in ClinVar:

NM_000888.5(ITGB6):c.594-1G>A

Gene: ITGB6 (integrin subunit beta 6; minus strand). Cytogenetic location: 2q24.2.
Variant type: single nucleotide variant.
Coding change: c.594-1G>A on transcript NM_000888.5 (MANE Select); the canonical splice acceptor site of the intron before coding-DNA position 594, G replaced by A.
Molecular consequence: splice acceptor variant.
Genome position (GRCh38, 1-based): chr2:160,174,140, C>T on the plus strand (G>A on the coding strand, the complement: ITGB6 is on the minus strand). VCF-style: chr2-160174140-C-T. GRCh37 (hg19) VCF-style: chr2-161030651-C-T.
Other names: c.594-1G>A (NM_001282353.2, NM_001282355.2); c.309-1G>A (NM_001282354.2); c.180-1G>A (NM_001282390.2); c.468-1G>A (NM_001282388.2); c.375-1G>A (NM_001282389.2).
Identifiers: ClinVar variation 4849433 (VCV004849433.1).

ClinVar aggregate classification (germline): Likely pathogenic (1 of 4 stars; one submission).

Conditions:
Amelogenesis imperfecta type 1H. Also called: Amelogenesis imperfecta, type IH. Identifiers: Orphanet 88661, MedGen C4015557, MONDO:0014540, OMIM 616221.

gnomAD v4.1: 7 of 1,594,164 alleles (0.00044%); highest among the groups gnomAD compares: South Asian, 0.0057%; no homozygotes.

Submission:

First Genomix Gene Laboratory, Genetic Diagnostics Department
Classification: Likely pathogenic for Amelogenesis imperfecta type 1H. Last evaluated: 2025-06-02. Review status: criteria provided, single submitter. Criteria: ACMG Guidelines, 2015. Collection method: clinical testing. Allele origin: germline. Inheritance: Autosomal recessive inheritance. Affected: no. Observed: 1 variant allele.